The following is an entry in ClinVar:

NM_016151.4(TAOK2):c.1190G>A (p.Arg397Gln)

Gene: TAOK2 (TAO kinase 2; plus strand). Cytogenetic location: 16p11.2.
Variant type: single nucleotide variant.
Coding change: c.1190G>A on transcript NM_016151.4 (MANE Select); coding-DNA position 1190, G replaced by A.
Protein change: p.Arg397Gln; replaces arginine 397 with glutamine.
Molecular consequence: missense variant.
Genome position (GRCh38, 1-based): chr16:29,983,262, G>A. VCF-style: chr16-29983262-G-A. GRCh37 (hg19) VCF-style: chr16-29994583-G-A.
Other names: c.1190G>A, p.Arg397Gln (NM_001252043.2, NM_004783.4); short protein forms R397Q.
Identifiers: ClinVar variation 1491806 (VCV001491806.8), dbSNP rs376173807, ClinGen allele CA7998068.

ClinVar aggregate classification (germline): Uncertain significance (1 of 4 stars; one submission).

Allele frequency attached by ClinVar (database versions not stated): ExAC 0.00001; gnomAD 0.00001; gnomAD exomes 0.00001; TOPMed 0.00002; ESP Exome Variant Server 0.00008.
gnomAD v4.1: 18 of 1,608,092 alleles (0.0011%); highest among the groups gnomAD compares: East Asian, 0.0045%; no homozygotes.

Submission:

Labcorp Genetics (formerly Invitae), Labcorp
Classification: Uncertain significance. Last evaluated: 2025-12-20. Review status: criteria provided, single submitter. Criteria: Invitae Variant Classification Sherloc (09022015). Collection method: clinical testing. Allele origin: germline.
Comment: This sequence change replaces arginine, which is basic and polar, with glutamine, which is neutral and polar, at codon 397 of the TAOK2 protein (p.Arg397Gln). This variant is present in population databases (rs376173807, gnomAD 0.003%). This variant has not been reported in the literature in individuals affected with TAOK2-related conditions. ClinVar contains an entry for this variant (Variation ID: 1491806). An algorithm developed to predict the effect of missense changes on protein structure and function (PolyPhen-2) suggests that this variant is likely to be tolerated. In summary, the available evidence is currently insufficient to determine the role of this variant in disease. Therefore, it has been classified as a Variant of Uncertain Significance.